The following is an entry in ClinVar:

NM_203446.3(SYNJ1):c.808C>T (p.Arg270Cys)

Gene: SYNJ1 (synaptojanin 1; minus strand). Cytogenetic location: 21q22.11.
Variant type: single nucleotide variant.
Coding change: c.808C>T on transcript NM_203446.3 (MANE Select); coding-DNA position 808, C replaced by T.
Protein change: p.Arg270Cys; replaces arginine 270 with cysteine.
Molecular consequence: missense variant.
Genome position (GRCh38, 1-based): chr21:32,688,349, G>A on the plus strand (C>T on the coding strand, the complement: SYNJ1 is on the minus strand). VCF-style: chr21-32688349-G-A. GRCh37 (hg19) VCF-style: chr21-34060659-G-A.
Other names: c.808C>T, p.Arg270Cys (NM_001160302.2, NM_001160306.2); c.925C>T, p.Arg309Cys (NM_003895.4); short protein forms R309C, R270C.
Identifiers: ClinVar variation 478367 (VCV000478367.9), dbSNP rs547450707, ClinGen allele CA10004036.

ClinVar aggregate classification (germline): Uncertain significance (1 of 4 stars; one submission).

Conditions:
Developmental and epileptic encephalopathy, 53. Also called: Epileptic encephalopathy, early infantile, 53. Identifiers: MedGen C4479313, MONDO:0033362, OMIM 617389.
Early-onset Parkinson disease 20. Also called: PARKINSON DISEASE 20, AUTOSOMAL RECESSIVE EARLY-ONSET. Identifiers: Orphanet 391411, MedGen C3809824, MONDO:0014233, OMIM 615530.

Allele frequency attached by ClinVar (database versions not stated): gnomAD 0.00001 and 0.00002; gnomAD exomes 0.00001 and 0.00003; ExAC 0.00002; TOPMed 0.00002; 1000 Genomes Project 30x 0.00031; 1000 Genomes Project 0.00040.
gnomAD v4.1: 10 of 1,613,264 alleles (0.00062%); highest among the groups gnomAD compares: East Asian, 0.011%; no homozygotes.

Submission:

Labcorp Genetics (formerly Invitae), Labcorp
Classification: Uncertain significance for Developmental and epileptic encephalopathy, 53; Early-onset Parkinson disease 20. Last evaluated: 2022-04-20. Review status: criteria provided, single submitter. Criteria: Invitae Variant Classification Sherloc (09022015). Collection method: clinical testing. Allele origin: germline.
Comment: This variant is present in population databases (rs547450707, gnomAD 0.03%). This sequence change replaces arginine, which is basic and polar, with cysteine, which is neutral and slightly polar, at codon 309 of the SYNJ1 protein (p.Arg309Cys). This variant has not been reported in the literature in individuals affected with SYNJ1-related conditions. ClinVar contains an entry for this variant (Variation ID: 478367). Algorithms developed to predict the effect of missense changes on protein structure and function (SIFT, PolyPhen-2, Align-GVGD) all suggest that this variant is likely to be disruptive. In summary, the available evidence is currently insufficient to determine the role of this variant in disease. Therefore, it has been classified as a Variant of Uncertain Significance.